The following is an entry in ClinVar:

NM_001267550.2(TTN):c.68911A>T (p.Ile22971Phe)

Genes: TTN (titin; minus strand), TTN-AS1 (TTN antisense RNA 1; plus strand). Cytogenetic location: 2q31.2.
Variant type: single nucleotide variant.
Coding change: c.68911A>T on transcript NM_001267550.2 (MANE Select); coding-DNA position 68911, A replaced by T.
Protein change: p.Ile22971Phe; replaces isoleucine 22971 with phenylalanine.
Molecular consequence: missense variant.
Genome position (GRCh38, 1-based): chr2:178,577,424, T>A on the plus strand (A>T on the coding strand, the complement: TTN is on the minus strand). VCF-style: chr2-178577424-T-A. GRCh37 (hg19) VCF-style: chr2-179442151-T-A.
Other names: c.63988A>T, p.Ile21330Phe (NM_001256850.1); c.41716A>T, p.Ile13906Phe (NM_003319.4); c.61207A>T, p.Ile20403Phe (NM_133378.4); c.42091A>T, p.Ile14031Phe (NM_133432.3); c.42292A>T, p.Ile14098Phe (NM_133437.4); short protein forms I13906F, I14031F, I14098F, I20403F, I21330F, I22971F.
Identifiers: ClinVar variation 4888072 (VCV004888072.2).

ClinVar aggregate classification (germline): Uncertain significance. Review status: criteria provided, multiple submitters, no conflicts (2 of 4 stars). 2 submissions from 2 submitters: Uncertain significance (2). Last evaluated 2026-01-29.

gnomAD v4.1: 2 of 1,611,140 alleles (0.00012%); highest among the groups gnomAD compares: Admixed American, 0.0017%; no homozygotes.

Submissions (2):

GeneDx
Classification: Uncertain significance. Last evaluated: 2026-01-29. Review status: criteria provided, single submitter. Criteria: GeneDx Variant Classification Process June 2021. Collection method: clinical testing. Allele origin: germline.
Comment: Not observed at significant frequency in large population cohorts (gnomAD); Missense variant in a gene in which most reported pathogenic variants are truncating/loss of function; Has not been previously published as pathogenic or benign to our knowledge

Blueprint Genetics
Classification: Uncertain significance. Last evaluated: 2021-07-30. Review status: criteria provided, single submitter. Criteria: ACMG Guidelines, 2015. Collection method: clinical testing. Allele origin: germline.